The following is an entry in ClinVar:

NM_021930.6(RINT1):c.227A>C (p.Lys76Thr)

Gene: RINT1 (RAD50 interactor 1; plus strand). Cytogenetic location: 7q22.3.
Variant type: single nucleotide variant.
Coding change: c.227A>C on transcript NM_021930.6 (MANE Select); coding-DNA position 227, A replaced by C.
Protein change: p.Lys76Thr; replaces lysine 76 with threonine.
Molecular consequence: missense variant. On other transcripts: 5 prime UTR variant (3), non-coding transcript variant (1), intron variant (1).
Genome position (GRCh38, 1-based): chr7:105,536,703, A>C. VCF-style: chr7-105536703-A-C. GRCh37 (hg19) VCF-style: chr7-105177150-A-C.
Other names: c.-793A>C (NM_001346600.2); c.-696A>C (NM_001346601.2); c.-316A>C (NM_001346603.2); c.39+91A>C (NM_001346599.2); short protein forms K76T.
Identifiers: ClinVar variation 5028257 (VCV005028257.1).

ClinVar aggregate classification (germline): Uncertain significance (1 of 4 stars; one submission).

Submission:

Ambry Genetics
Classification: Uncertain significance. Last evaluated: 2026-06-15. Review status: criteria provided, single submitter. Criteria: Ambry Variant Classification Scheme 2023. Collection method: clinical testing. Allele origin: germline.
Comment: The p.K76T variant (also known as c.227A>C), located in coding exon 3 of the RINT1 gene, results from an A to C substitution at nucleotide position 227. The lysine at codon 76 is replaced by threonine, an amino acid with similar properties. This amino acid position is conserved. In addition, this alteration is predicted to be tolerated by in silico analysis. Based on the available evidence, the clinical significance of this variant remains unclear.